The following is an entry in ClinVar:

NM_000465.4(BARD1):c.1620del (p.Lys540fs)

Gene: BARD1 (BRCA1 associated RING domain 1; minus strand). Cytogenetic location: 2q35.
Variant type: Deletion.
Coding change: c.1620del on transcript NM_000465.4 (MANE Select); coding-DNA position 1620, one base deleted (A; older notation c.1620delA).
Protein change: p.Lys540fs; shifts the reading frame from lysine 540.
Molecular consequence: frameshift variant. On other transcripts: non-coding transcript variant (3), intron variant (1).
Genome position (GRCh38, 1-based): chr2:214,752,504, T deleted on the plus strand (A on the coding strand, the reverse complement: BARD1 is on the minus strand); the first of 3 consecutive T bases (chr2:214,752,504-214,752,506); deleting any one gives the same sequence. VCF-style (leftmost placement, unchanged base first): chr2-214752503-AT-A. GRCh37 (hg19) VCF-style: chr2-215617227-AT-A.
Other names: c.1563del, p.Lys521fs (NM_001282543.2); c.267del, p.Lys89fs (NM_001282545.2); c.210del, p.Lys70fs (NM_001282548.2); c.365-21996del (NM_001282549.2); c.1620del (NM_000465.2); c.1620delA (NM_000465.2); short protein forms K540fs, K521fs, K70fs, K89fs.
Identifiers: ClinVar variation 849559 (VCV000849559.16), dbSNP rs1693504040, ClinGen allele CA916082280.
Genomic context (GRCh38, chr2:214,752,503, plus strand): 5'-TTACTACTGAGCAGTGGCTAGCTGAGGATGATTCATTCTTCTCTGGTAGCAGCAATAGCG[AT>A]TTCATACTTTCATCATCTGTATAATCGACAGGCCGCAGACCAAATATATTACTGGTAAAA-3'

ClinVar aggregate classification (germline): Pathogenic. Review status: criteria provided, multiple submitters, no conflicts (2 of 4 stars). 6 submissions from 6 submitters: Pathogenic (6). Last evaluated 2025-01-16.

Conditions:
Hereditary cancer-predisposing syndrome. Also called: Tumor predisposition; Neoplastic Syndromes, Hereditary; Hereditary neoplastic syndrome; Hereditary Cancer Syndrome. Identifiers: Orphanet 140162, MedGen C0027672, MeSH D009386, MONDO:0015356.
Familial cancer of breast. Also called: BREAST CANCER, FAMILIAL; Hereditary breast cancer; hereditary breast carcinoma. Identifiers: Orphanet 227535, MedGen C0346153, MONDO:0016419, OMIM 114480. Disease mechanism: loss of function.

Submissions (6):

Labcorp Genetics (formerly Invitae), Labcorp
Classification: Pathogenic for Familial cancer of breast. Last evaluated: 2025-01-16. Review status: criteria provided, single submitter. Criteria: Invitae Variant Classification Sherloc (09022015). Collection method: clinical testing. Allele origin: germline.
Comment: This sequence change creates a premature translational stop signal (p.Lys540Asnfs*20) in the BARD1 gene. It is expected to result in an absent or disrupted protein product. Loss-of-function variants in BARD1 are known to be pathogenic (PMID: 20077502, 21344236). This variant is not present in population databases (gnomAD no frequency). This premature translational stop signal has been observed in individual(s) with testicular germ cell tumor (PMID: 30676620). ClinVar contains an entry for this variant (Variation ID: 849559). For these reasons, this variant has been classified as Pathogenic.

Color Diagnostics, LLC DBA Color Health
Classification: Pathogenic for Hereditary cancer-predisposing syndrome. Last evaluated: 2024-01-16. Review status: criteria provided, single submitter. Criteria: ACMG Guidelines, 2015. Collection method: clinical testing. Allele origin: germline.
Comment: This variant deletes 1 nucleotide in exon 7/11 of the BARD1 gene, creating a frameshift and premature translation stop signal. This variant is expected to result in an absent or non-functional protein product. To our knowledge, this variant has not been reported in individuals affected with BARD1-related disorders in the literature. This variant has not been identified in the general population by the Genome Aggregation Database (gnomAD). Loss of BARD1 function is a known mechanism of disease. Based on the available evidence, this variant is classified as Pathogenic.

Baylor Genetics
Classification: Pathogenic for Familial cancer of breast. Last evaluated: 2023-12-24. Review status: criteria provided, single submitter. Criteria: ACMG Guidelines, 2015. Collection method: clinical testing. Allele origin: unknown.

Myriad Genetics, Inc.
Classification: Pathogenic for Familial cancer of breast. Last evaluated: 2023-05-23. Review status: criteria provided, single submitter. Criteria: Myriad Autosomal Dominant, Autosomal Recessive and X-Linked Classification Criteria (2023). Collection method: clinical testing. Allele origin: unknown.
Comment: This variant is considered pathogenic. This variant creates a frameshift predicted to result in premature protein truncation.

Ambry Genetics
Classification: Pathogenic for Hereditary cancer-predisposing syndrome. Last evaluated: 2021-04-02. Review status: criteria provided, single submitter. Criteria: Ambry Variant Classification Scheme 2023. Collection method: clinical testing. Allele origin: germline.
Comment: The c.1620delA pathogenic mutation, located in coding exon 7 of the BARD1 gene, results from a deletion of one nucleotide at nucleotide position 1620, causing a translational frameshift with a predicted alternate stop codon (p.K540Nfs*20). This alteration has been identified in an individual diagnosed with a testicular germ cell tumor (AlDubayan SH et al. JAMA Oncol, 2019 Apr;5:514-522). In addition to the clinical data presented in the literature, this alteration is expected to result in loss of function by premature protein truncation or nonsense-mediated mRNA decay. As such, this alteration is interpreted as a disease-causing mutation.

Revvity Omics, Revvity
Classification: Pathogenic. Last evaluated: 2019-04-29. Review status: criteria provided, single submitter. Criteria: ACMG Guidelines, 2015. Collection method: clinical testing. Allele origin: germline.

Literature cited by the submitters: PubMed 20077502 (cited by Labcorp Genetics (formerly Invitae), Labcorp); PubMed 21344236 (cited by Labcorp Genetics (formerly Invitae), Labcorp); PubMed 30676620 (cited by Labcorp Genetics (formerly Invitae), Labcorp and Ambry Genetics).